The following is an entry in ClinVar:

ClinVar aggregate classification (germline): Uncertain significance (1 of 4 stars; one submission).

Allele frequency attached by ClinVar (database versions not stated): gnomAD exomes below 0.00001; TOPMed 0.00002.

Submissions (2):

GeneDx
Classification: Uncertain significance. Last evaluated: 2017-09-26. Review status: criteria provided, single submitter. Criteria: GeneDx Variant Classification (06012015). Collection method: clinical testing. Allele origin: germline. Affected: yes.
Comment: The M184V variant in the NLGN4X gene has not been reported previously as a pathogenic variant, nor as a benign variant, to our knowledge. The M184V variant is not observed in large population cohorts (Lek et al., 2016). The M184V variant is a conservative amino acid substitution, which is not likely to impact secondary protein structure as these residues share similar properties. This substitution occurs at a position where amino acids with similar properties to Methionine are tolerated across species. In silico analysis is inconsistent in its predictions as to whether or not the variant is damaging to the protein structure/function. We interpret M184V as a variant of uncertain significance

Dr. Peter K. Rogan Lab, Western University
No classification provided (evidence only). Condition: Thyroid cancer, nonmedullary, 1. Review status: no classification provided. Collection method: in vitro. Allele origin: not applicable. Functional consequence: retained intron. Not counted in ClinVar's aggregate classification.

NM_181332.3(NLGN4X):c.550A>G (p.Met184Val)

Gene: NLGN4X (neuroligin 4 X-linked; minus strand). Cytogenetic location: Xp22.32.
Variant type: single nucleotide variant.
Coding change: c.550A>G on transcript NM_181332.3 (MANE Select); coding-DNA position 550, A replaced by G.
Protein change: p.Met184Val; replaces methionine 184 with valine.
Molecular consequence: missense variant.
Genome position (GRCh38, 1-based): chrX:6,029,355, T>C on the plus strand (A>G on the coding strand, the complement: NLGN4X is on the minus strand). VCF-style: chrX-6029355-T-C. GRCh37 (hg19) VCF-style: chrX-5947396-T-C.
Other names: NC_000023.10:g.5947396T>C; c.550A>G, p.Met184Val (NM_001282145.2, NM_001282146.2, NM_020742.4); short protein forms M184V.
Identifiers: ClinVar variation 452167 (VCV000452167.3), dbSNP rs1406591773, ClinGen allele CA412014441.